The following is an entry in ClinVar:

NM_001267550.2(TTN):c.92199C>T (p.Gly30733=)

Genes: TTN (titin; minus strand), TTN-AS1 (TTN antisense RNA 1; plus strand). Cytogenetic location: 2q31.2.
Variant type: single nucleotide variant.
Coding change: c.92199C>T on transcript NM_001267550.2 (MANE Select); coding-DNA position 92199, C replaced by T.
Protein change: p.Gly30733=; no amino-acid change (glycine 30733 retained).
Molecular consequence: synonymous variant.
Genome position (GRCh38, 1-based): chr2:178,549,427, G>A on the plus strand (C>T on the coding strand, the complement: TTN is on the minus strand). VCF-style: chr2-178549427-G-A. GRCh37 (hg19) VCF-style: chr2-179414154-G-A.
Other names: c.87276C>T, p.Gly29092= (NM_001256850.1); c.65004C>T, p.Gly21668= (NM_003319.4); c.84495C>T, p.Gly28165= (NM_133378.4); c.65379C>T, p.Gly21793= (NM_133432.3); c.65580C>T, p.Gly21860= (NM_133437.4).
Identifiers: ClinVar variation 1308421 (VCV001308421.2), dbSNP rs2154148158, ClinGen allele CA430243793.

ClinVar aggregate classification (germline): Uncertain significance (1 of 4 stars; one submission).

Submission:

GeneDx
Classification: Uncertain significance. Last evaluated: 2019-03-28. Review status: criteria provided, single submitter. Criteria: GeneDx Variant Classification Process June 2021. Collection method: clinical testing. Allele origin: germline. Affected: yes.
Comment: Has not been previously published as pathogenic or benign to our knowledge; Not observed in large population cohorts (Lek et al., 2016); In silico analysis, which includes splice predictors and evolutionary conservation, suggests this variant may impact gene splicing. In the absence of RNA/functional studies, the actual effect of this sequence change is unknown.